The following is an entry in ClinVar:

ClinVar aggregate classification (germline): Benign. Review status: criteria provided, multiple submitters, no conflicts (2 of 4 stars). 4 submissions from 4 submitters: Benign (3). 1 of the submissions does not count toward it. Last evaluated 2026-01-15.

Conditions:
GYG2-related disorder. Also called: GYG2-related condition.

Allele frequency attached by ClinVar (database versions not stated): ESP Exome Variant Server 0.00019; gnomAD 0.00147 and 0.00210; TOPMed 0.00293; ExAC 0.00552; gnomAD exomes 0.00568; 1000 Genomes Project 30x 0.01353; 1000 Genomes Project 0.01430.
gnomAD v4.1: 2,240 of 1,210,216 alleles (0.19%); highest among the groups gnomAD compares: East Asian, 5.6%; 48 homozygotes.

Submissions (4):

Labcorp Genetics (formerly Invitae), Labcorp
Classification: Benign. Last evaluated: 2026-01-15. Review status: criteria provided, single submitter. Criteria: Invitae Variant Classification Sherloc (09022015). Collection method: clinical testing. Allele origin: germline.

GeneDx
Classification: Benign. Last evaluated: 2016-10-11. Review status: criteria provided, single submitter. Criteria: GeneDx Variant Classification (06012015). Collection method: clinical testing. Allele origin: germline. Affected: yes.
Comment: This variant is considered likely benign or benign based on one or more of the following criteria: it is a conservative change, it occurs at a poorly conserved position in the protein, it is predicted to be benign by multiple in silico algorithms, and/or has population frequency not consistent with disease.

Breakthrough Genomics
Classification: Benign. Review status: criteria provided, single submitter. Criteria: ACMG Guidelines, 2015. Collection method: not provided. Allele origin: germline. Inheritance: Unknown mechanism. Affected: yes.

PreventionGenetics, part of Exact Sciences
Classification: Benign for GYG2-related condition. Last evaluated: 2019-06-13. Review status: no assertion criteria provided. Collection method: clinical testing. Allele origin: germline. Not counted in ClinVar's aggregate classification.
Comment: This variant is classified as benign based on ACMG/AMP sequence variant interpretation guidelines (Richards et al. 2015 PMID: 25741868, with internal and published modifications).

NM_001079855.2(GYG2):c.345G>A (p.Glu115=)

Gene: GYG2 (glycogenin 2; plus strand). Cytogenetic location: Xp22.33.
Variant type: single nucleotide variant.
Coding change: c.345G>A on transcript NM_001079855.2 (MANE Select); coding-DNA position 345, G replaced by A.
Protein change: p.Glu115=; no amino-acid change (glutamic acid 115 retained).
Molecular consequence: synonymous variant. On other transcripts: 5 prime UTR variant (1).
Genome position (GRCh38, 1-based): chrX:2,855,013, G>A. VCF-style: chrX-2855013-G-A. GRCh37 (hg19) VCF-style: chrX-2773054-G-A.
Other names: c.345G>A, p.Glu115= (NM_001184702.2); c.438G>A, p.Glu146= (NM_001184703.2, NM_003918.3); c.-121G>A (NM_001184704.2).
Identifiers: ClinVar variation 385020 (VCV000385020.9), dbSNP rs137923496, ClinGen allele CA10337063.